The following is an entry in ClinVar:

NM_005477.3(HCN4):c.3260C>T (p.Ser1087Phe)

Gene: HCN4 (hyperpolarization activated cyclic nucleotide gated potassium channel 4; minus strand). Cytogenetic location: 15q24.1.
Variant type: single nucleotide variant.
Coding change: c.3260C>T on transcript NM_005477.3 (MANE Select); coding-DNA position 3260, C replaced by T.
Protein change: p.Ser1087Phe; replaces serine 1087 with phenylalanine.
Molecular consequence: missense variant.
Genome position (GRCh38, 1-based): chr15:73,322,833, G>A on the plus strand (C>T on the coding strand, the complement: HCN4 is on the minus strand). VCF-style: chr15-73322833-G-A. GRCh37 (hg19) VCF-style: chr15-73615174-G-A.
Other names: short protein forms S1087F.
Identifiers: ClinVar variation 2992313 (VCV002992313.1), dbSNP rs2549068059, ClinGen allele CA393085892.
Genomic context (GRCh38, chr15:73,322,833, plus strand): 5'-TGCGGGGAGGCTCTGCGGAGAGTCTGCGCCCCGTCCTGAGGCAGGGCTGGCTGAGACGCG[G>A]AGATGAGCTTGAGGTCCTGGGTGAGGCGGCCGGGGGTGAGCGGGGGTGTGCCCCGGCGCT-3'
Protein context (NP_005468.1, residues 1077-1097): GRLTQDLKLI[Ser1087Phe]ASQPALPQDG

ClinVar aggregate classification (germline): Uncertain significance (1 of 4 stars; one submission).

Conditions:
Brugada syndrome 8 (BRGDA8). Identifiers: Orphanet 130, MedGen C2751083, MONDO:0013148, OMIM 613123.

Allele frequency attached by ClinVar (database versions not stated): gnomAD exomes 0.00001.
gnomAD v4.1: 11 of 1,523,000 alleles (0.00072%); highest among the groups gnomAD compares: Non-Finnish European, 0.00097%; no homozygotes.

Submission:

Labcorp Genetics (formerly Invitae), Labcorp
Classification: Uncertain significance for Brugada syndrome 8. Last evaluated: 2023-04-12. Review status: criteria provided, single submitter. Criteria: Invitae Variant Classification Sherloc (09022015). Collection method: clinical testing. Allele origin: germline.
Comment: In summary, the available evidence is currently insufficient to determine the role of this variant in disease. Therefore, it has been classified as a Variant of Uncertain Significance. Advanced modeling of protein sequence and biophysical properties (such as structural, functional, and spatial information, amino acid conservation, physicochemical variation, residue mobility, and thermodynamic stability) performed at Invitae indicates that this missense variant is not expected to disrupt HCN4 protein function. This variant has not been reported in the literature in individuals affected with HCN4-related conditions. This variant is not present in population databases (gnomAD no frequency). This sequence change replaces serine, which is neutral and polar, with phenylalanine, which is neutral and non-polar, at codon 1087 of the HCN4 protein (p.Ser1087Phe).